The following is an entry in ClinVar:

ClinVar aggregate classification (germline): Pathogenic/Likely pathogenic. Review status: criteria provided, multiple submitters, no conflicts (2 of 4 stars). 8 submissions from 8 submitters: Pathogenic (3); Likely pathogenic (4). 1 of the submissions does not count toward it. Last evaluated 2025-12-19.

Conditions:
Hereditary hyperinsulinism.
Hyperinsulinemic hypoglycemia, familial, 1 (HHF1). Also called: HYPERINSULINISM, FAMILIAL, WITH PANCREATIC NESIDIOBLASTOSIS; HYPOGLYCEMIA, HYPERINSULINEMIC, OF INFANCY; NESIDIOBLASTOSIS OF PANCREAS; Persistent hyperinsulinemic hypoglycemia of infancy; Persistent Hyperinsulinemia Hypoglycemia of Infancy. Identifiers: Orphanet 276575, Orphanet 276598, MedGen C2931832, MONDO:0009734, OMIM 256450.
Type 2 diabetes mellitus. Also called: Type II diabetes mellitus. Identifiers: MedGen C0011860, MeSH D003924, MONDO:0005148, OMIM 125853, HP:0005978.

Allele frequency attached by ClinVar (database versions not stated): gnomAD 0.00001.
gnomAD v4.1: 5 of 1,613,934 alleles (0.00031%); highest among the groups gnomAD compares: South Asian, 0.0011%; no homozygotes.

Submissions (8):

Natera, Inc.
Classification: Pathogenic for Hereditary hyperinsulinism. Last evaluated: 2025-12-19. Review status: criteria provided, single submitter. Criteria: Natera Variant Classification Schema (03/2026). Collection method: clinical testing. Allele origin: germline.
Comment: The c.4478G>A variant in ABCC8 is a missense variant predicted to cause substitution of arginine to glutamine at amino acid 1493. This variant is rare in the general population with a frequency below the threshold expected for the associated phenotype(s). This variant has been observed in one or more individuals affected with the associated recessive disease, as either homozygous or compound heterozygous with a second variant (PMID: 34304300, 31525223, 12199344). This variant has been observed in affected individual(s) with monoallelic occurrence (heterozygous/hemizygous) (PMID: 33502730, 28270372, 11723059, 16357843, 25008049). A different variant at the same position has been determined to be Pathogenic or Likely Pathogenic. Computational prediction algorithms indicate this variant is likely to affect gene or protein function. Given the available evidence, this variant is classified as Pathogenic.

Revvity Omics, Revvity
Classification: Likely pathogenic. Last evaluated: 2025-04-14. Review status: criteria provided, single submitter. Criteria: ACMG Guidelines, 2015. Collection method: clinical testing. Allele origin: germline.

Labcorp Genetics (formerly Invitae), Labcorp
Classification: Pathogenic. Last evaluated: 2025-04-03. Review status: criteria provided, single submitter. Criteria: Invitae Variant Classification Sherloc (09022015). Collection method: clinical testing. Allele origin: germline.
Comment: This sequence change replaces arginine, which is basic and polar, with glutamine, which is neutral and polar, at codon 1493 of the ABCC8 protein (p.Arg1493Gln). This variant is present in population databases (no rsID available, gnomAD 0.007%). This missense change has been observed in individuals with congenital autosomal recessive hyperinsulinism (PMID: 10426386, 12199344, 21968111, 25008049). This variant is also known as R1494Q. ClinVar contains an entry for this variant (Variation ID: 370910). Invitae Evidence Modeling of protein sequence and biophysical properties (such as structural, functional, and spatial information, amino acid conservation, physicochemical variation, residue mobility, and thermodynamic stability) indicates that this missense variant is expected to disrupt ABCC8 protein function with a positive predictive value of 95%. This variant disrupts the p.Arg1493 amino acid residue in ABCC8. Other variant(s) that disrupt this residue have been determined to be pathogenic (PMID: 9769320, 15579781, 30186238). This suggests that this residue is clinically significant, and that variants that disrupt this residue are likely to be disease-causing. For these reasons, this variant has been classified as Pathogenic.

Baylor Genetics
Classification: Likely pathogenic for Type 2 diabetes mellitus. Last evaluated: 2024-03-25. Review status: criteria provided, single submitter. Criteria: ACMG Guidelines, 2015. Collection method: clinical testing. Allele origin: unknown.

Broad Center for Mendelian Genomics, Broad Institute of MIT and Harvard
Classification: Likely pathogenic for Hyperinsulinemic hypoglycemia, familial, 1. Last evaluated: 2023-08-16. Review status: criteria provided, single submitter. Criteria: ACMG Guidelines, 2015. Collection method: curation. Allele origin: germline. Inheritance: Autosomal recessive inheritance.
Comment: The p.Arg1493Gln variant in ABCC8 has been reported in 8 individuals with hyperinsulinemic hypoglycemia (PMID: 20685672, 12199344, 25639667, 21968111, 34304300, 25008049, 23275527, 10426386), and has been identified in 0.0008% (1/129096) of European (Non-Finnish) chromosomes by the Genome Aggregation Database (gnomAD; dbSNP rs746480424). Although this variant has been seen in the general population in a heterozygous state, its frequency is low enough to be consistent with a recessive carrier frequency. This variant has also been reported in ClinVar (Variation ID#: 370910) and has been interpreted as pathogenic by Invitae and likely pathogenic by Counsyl and GeneDx. Of the 8 affected individuals, at least 2 were compound heterozygotes that carried a reported pathogenic variant in trans, which increases the likelihood that the p.Arg1493Gln variant is pathogenic (PMID: 10426386, 25008049). Computational prediction tools and conservation analyses suggest that this variant may impact the protein, though this information is not predictive enough to determine pathogenicity. One additional pathogenic variant, resulting in a different amino acid change at the same position, p.Arg1493Trp has been reported in association with disease in ClinVar and the literature, supporting that a change at this position may not be tolerated (Variation ID: 9096, PMID: 30186238, 33688939, 10202168, 10426386, 19475716, 9769320, 15579781). In summary, although additional studies are required to fully establish its clinical significance, this variant is likely pathogenic for autosomal recessive hyperinsulinemic hypoglycemia. ACMG/AMP Criteria applied: PM3_strong, PM5, PP3, PP2_supporting (Richards 2015).

Victorian Clinical Genetics Services, Murdoch Childrens Research Institute
Classification: Pathogenic for Hyperinsulinemic hypoglycemia, familial, 1. Last evaluated: 2023-07-17. Review status: criteria provided, single submitter. Criteria: ACMG Guidelines, 2015. Collection method: clinical testing. Allele origin: germline. Inheritance: Autosomal dominant inheritance. Affected: yes.
Comment: Based on the classification scheme VCGS_Germline_v1.3.4, this variant is classified as Pathogenic. Following criteria are met: 0103 - Loss of function and gain of function are known mechanisms of disease in this gene and are associated with congenital hyperinsulism (CHI) and neonatal diabetes mellitus (NDM), respectively (PMIDs: 32376986, 32027066). (I) 0108 - This gene is known to be associated with both recessive and dominant disease. The ABCC8 gene has been associated with both autosomal recessive and dominant NDM and CHI (PMID: 32027066). Focal CHI is caused by a somatic second hit with the loss of the maternal chromosome 11p15.5 region by uniparental disomy that makes the paternally inherited variant mosaic homozygous (PMID: 32027066). (I) 0112 - The condition associated with this gene has incomplete penetrance. Variable penetrance has been reported for hyperinsulinemic hypoglycaemia, familial, 1 (MIM#256450) (PMID: 20301549). (I) 0200 - Variant is predicted to result in a missense amino acid change from arginine to glutamine. (I) 0251 - This variant is heterozygous. (I) 0304 - Variant is present in gnomAD (v2) <0.01 (1 heterozygote, 0 homozygotes). (SP) 0309 - Multiple alternative amino acid changes at the same position has been observed in gnomAD (v2) (highest allele count: 4 heterozygotes, 0 homozygotes). (I) 0501 - Missense variant consistently predicted to be damaging by multiple in silico tools or highly conserved with a major amino acid change. (SP) 0600 - Variant is located in the annotated ABC transporter domain (DECIPHER). (I) 0702 - Other missense variants comparable to the one identified in this case have strong previous evidence for pathogenicity. p.(Arg1493Pro), p.(Arg1493Trp) and p.(Arg1493Leu) have been classified as likely pathogenic or pathogenic by clinical laboratories in ClinVar. p.(Arg1493Trp) has also been observed in an individual with focal CHI in the literature (PMID: 20685672). (SP) 0801 - This variant has strong previous evidence of pathogenicity in unrelated individuals. This variant has been classified as pathogenic and likely pathogenic by clinical laboratories in ClinVar, and has been observed as paternally inherited in several individuals with CHI in the literature (PMIDs: 10426386, 33502730, 20685672). This includes one individual with focal CHI where the variant was homozygous in focal lesion tissue due to uniparental disomy and the somatic loss of maternal 11p15 (PMID: 10426386). (SP) 1208 - Inheritance information for this variant is not currently available in this individual. (I) Legend: (SP) - Supporting pathogenic, (I) - Information, (SB) - Supporting benign

GeneDx
Classification: Likely pathogenic. Last evaluated: 2021-12-23. Review status: criteria provided, single submitter. Criteria: GeneDx Variant Classification Process June 2021. Collection method: clinical testing. Allele origin: germline. Affected: yes.
Comment: Identified in multiple other unrelated patients with hyperinsulinism in the published literature, often inherited on the paternal allele; somatic 11p maternal allele studies were not performed (Sang et al., 2014; Gong et al., 2015); Not observed at a significant frequency in large population cohorts (gnomAD); In silico analysis, which includes protein predictors and evolutionary conservation, supports a deleterious effect; Occasionally reported as R1494Q using alternate nomenclature; This variant is associated with the following publications: (PMID: 14692646, 23275527, 21968111, 12199344, 20799350, 23226049, 20685672, 25639667, 10426386, 25008049)

Counsyl
Classification: Likely pathogenic for Hyperinsulinemic hypoglycemia, familial, 1. Last evaluated: 2016-05-17. Review status: no assertion criteria provided. Collection method: clinical testing. Allele origin: unknown. Not counted in ClinVar's aggregate classification.

Literature cited by the submitters: PubMed 34304300 (cited by Natera, Inc.); PubMed 31525223 (cited by Natera, Inc.); PubMed 12199344 (cited by 3 submitters); PubMed 33502730 (cited by Natera, Inc. and Victorian Clinical Genetics Services, Murdoch Childrens Research Institute); PubMed 28270372 (cited by Natera, Inc.); PubMed 11723059 (cited by Natera, Inc.); PubMed 16357843 (cited by Natera, Inc.); PubMed 25008049 (cited by 3 submitters); PubMed 10426386 (cited by Labcorp Genetics (formerly Invitae), Labcorp and Victorian Clinical Genetics Services, Murdoch Childrens Research Institute); PubMed 21968111 (cited by Labcorp Genetics (formerly Invitae), Labcorp and Counsyl); PubMed 9769320 (cited by Labcorp Genetics (formerly Invitae), Labcorp); PubMed 15579781 (cited by Labcorp Genetics (formerly Invitae), Labcorp); PubMed 30186238 (cited by Labcorp Genetics (formerly Invitae), Labcorp); PubMed 20301549 (cited by Victorian Clinical Genetics Services, Murdoch Childrens Research Institute); PubMed 20685672 (cited by Victorian Clinical Genetics Services, Murdoch Childrens Research Institute and Counsyl); PubMed 32027066 (cited by Victorian Clinical Genetics Services, Murdoch Childrens Research Institute); PubMed 32376986 (cited by Victorian Clinical Genetics Services, Murdoch Childrens Research Institute); PubMed 23275527 (cited by Counsyl); PubMed 25639667 (cited by Counsyl).

NM_000352.6(ABCC8):c.4478G>A (p.Arg1493Gln)

Gene: ABCC8 (ATP binding cassette subfamily C member 8; minus strand). Cytogenetic location: 11p15.1.
Variant type: single nucleotide variant.
Coding change: c.4478G>A on transcript NM_000352.6 (MANE Select); coding-DNA position 4478, G replaced by A.
Protein change: p.Arg1493Gln; replaces arginine 1493 with glutamine.
Molecular consequence: missense variant. On other transcripts: non-coding transcript variant (1).
Genome position (GRCh38, 1-based): chr11:17,394,333, C>T on the plus strand (G>A on the coding strand, the complement: ABCC8 is on the minus strand). VCF-style: chr11-17394333-C-T. GRCh37 (hg19) VCF-style: chr11-17415880-C-T.
Other names: NM_000352.6(ABCC8):c.4478G>A; p.Arg1493Gln; c.4478G>A (NM_000352.4, NM_000352.5); c.4481G>A, p.Arg1494Gln (NM_001287174.3); c.4544G>A, p.Arg1515Gln (NM_001351295.2); c.4478G>A, p.Arg1493Gln (NM_001351296.2); c.4475G>A, p.Arg1492Gln (NM_001351297.2); short protein forms R1493Q, R1494Q, R1492Q, R1515Q.
Identifiers: ClinVar variation 370910 (VCV000370910.19), dbSNP rs746480424, ClinGen allele CA16041433.